The following is an entry in ClinVar:

ClinVar aggregate classification (germline): Likely benign (1 of 4 stars; one submission).

gnomAD v4.1: 4,828 of 1,614,056 alleles (0.3%); highest among the groups gnomAD compares: Non-Finnish European, 0.36%; 11 homozygotes.

Submission:

CeGaT Center for Human Genetics Tuebingen
Classification: Likely benign. Last evaluated: 2026-10-01. Review status: criteria provided, single submitter. Criteria: CeGaT Center For Human Genetics Tuebingen Variant Classification Criteria Version 2. Collection method: clinical testing. Allele origin: germline. Affected: yes. Observed: 2 variant alleles.
Comment: MED12L: BP4, BP7, BS1

NM_001393769.1(MED12L):c.6441G>A (p.Gln2147=)

Gene: MED12L (mediator complex subunit 12L; plus strand). Cytogenetic location: 3q25.1.
Variant type: single nucleotide variant.
Coding change: c.6441G>A on transcript NM_001393769.1 (MANE Select); coding-DNA position 6441, G replaced by A.
Protein change: p.Gln2147=; no amino-acid change (glutamine 2147 retained).
Molecular consequence: synonymous variant.
Genome position (GRCh38, 1-based): chr3:151,430,331, G>A. VCF-style: chr3-151430331-G-A. GRCh37 (hg19) VCF-style: chr3-151148119-G-A.
Other names: c.6336G>A, p.Gln2112= (NM_053002.6).
Identifiers: ClinVar variation 4820914 (VCV004820914.4).